The following is an entry in ClinVar:

NM_000271.5(NPC1):c.2911+1G>A

Gene: NPC1 (NPC intracellular cholesterol transporter 1; minus strand). Cytogenetic location: 18q11.2.
Variant type: single nucleotide variant.
Coding change: c.2911+1G>A on transcript NM_000271.5 (MANE Select); the canonical splice donor site of the intron after coding-DNA position 2911, G replaced by A.
Molecular consequence: splice donor variant.
Genome position (GRCh38, 1-based): chr18:23,539,354, C>T on the plus strand (G>A on the coding strand, the complement: NPC1 is on the minus strand). VCF-style: chr18-23539354-C-T. GRCh37 (hg19) VCF-style: chr18-21119318-C-T.
Identifiers: ClinVar variation 4058910 (VCV004058910.3).

ClinVar aggregate classification (germline): Likely pathogenic. Review status: criteria provided, multiple submitters, no conflicts (2 of 4 stars). 2 submissions from 2 submitters: Likely pathogenic (2). Last evaluated 2025-10-16.

Conditions:
Niemann-Pick disease, type C1. Also called: NEUROVISCERAL STORAGE DISEASE WITH VERTICAL SUPRANUCLEAR OPHTHALMOPLEGIA; NIEMANN-PICK DISEASE WITH CHOLESTEROL ESTERIFICATION BLOCK; NIEMANN-PICK DISEASE WITHOUT SPHINGOMYELINASE DEFICIENCY; NIEMANN-PICK DISEASE, CHRONIC NEURONOPATHIC FORM; NIEMANN-PICK DISEASE, VARIANT TYPE C1. Identifiers: Orphanet 646, MedGen C3179455, MONDO:0009757, OMIM 257220.

gnomAD v4.1: 3 of 1,601,252 alleles (0.00019%); highest among the groups gnomAD compares: Non-Finnish European, 0.00026%; no homozygotes.

Submissions (2):

Victorian Clinical Genetics Services, Murdoch Childrens Research Institute
Classification: Likely pathogenic for Niemann-Pick disease, type C1. Last evaluated: 2025-10-16. Review status: criteria provided, single submitter. Criteria: ACMG Guidelines, 2015. Collection method: clinical testing. Allele origin: germline. Affected: no.
Comment: This variant is classified as Likely pathogenic. Evidence in support of pathogenic classification: Canonical splice site variant without proven consequence on splicing (no functional evidence available); Variant is present in gnomAD <0.01 for a recessive condition (v4: 3 heterozygote(s), 0 homozygote(s)); This variant has limited previous evidence of pathogenicity in an unrelated individual(s). This variant has been reported once as likely pathogenic by a clinical laboratory (ClinVar); Abnormal splicing is predicted by in silico tool and affected nucleotide is highly conserved. Additional information: This variant is heterozygous; This gene is associated with autosomal recessive disease; No published evidence of segregation with disease has been identified for this variant; No published functional evidence has been identified for this variant; No comparable canonical splice site variants have previous evidence for pathogenicity; Loss of function is a known mechanism of disease in this gene and is associated with Niemann-Pick disease, type C1 (MIM#257220).

Natera, Inc.
Classification: Likely pathogenic for Niemann-Pick disease type C1. Last evaluated: 2025-04-29. Review status: criteria provided, single submitter. Criteria: Natera Variant Classification Schema (03/2026). Collection method: clinical testing. Allele origin: germline.
Comment: The c.2911+1G>A variant in NPC1 is a canonical splice donor site variant predicted to affect pre-mRNA splicing, which may result in an abnormal transcript and altered protein product. This variant is expected to result in nonsense mediated decay, truncation, or a dysfunctional protein product. This variant is rare in the general population with a frequency below the threshold expected for the associated phenotype(s). Given the available evidence, this variant is classified as Likely Pathogenic.